The following is an entry in ClinVar:

NM_006227.4(PLTP):c.946C>G (p.Pro316Ala)

Gene: PLTP (phospholipid transfer protein; minus strand). Cytogenetic location: 20q13.12.
Variant type: single nucleotide variant.
Coding change: c.946C>G on transcript NM_006227.4 (MANE Select); coding-DNA position 946, C replaced by G.
Protein change: p.Pro316Ala; replaces proline 316 with alanine.
Molecular consequence: missense variant.
Genome position (GRCh38, 1-based): chr20:45,902,601, G>C on the plus strand (C>G on the coding strand, the complement: PLTP is on the minus strand). VCF-style: chr20-45902601-G-C. GRCh37 (hg19) VCF-style: chr20-44531240-G-C.
Other names: c.661C>G, p.Pro221Ala (NM_001242920.2); c.682C>G, p.Pro228Ala (NM_001242921.1); c.790C>G, p.Pro264Ala (NM_182676.3); short protein forms P221A, P228A, P264A, P316A.
Identifiers: ClinVar variation 3616427 (VCV003616427.2).
Genomic context (GRCh38, chr20:45,902,601, plus strand): 5'-TGCAGCGCGGTGGGGCCAGGACCCGCAGCTCCAGCTTCAATGGGGAGTCAATCACTGCTG[G>C]GCTCTGGGGGATGAGCAGCAGGGGCGGGTCAAGTCCCTGCCATTTCCTTTGGAGCCCCCA-3'
Protein context (NP_006218.1, residues 306-326): TYFGSIVLLS[Pro316Ala]AVIDSPLKLE

ClinVar aggregate classification (germline): Uncertain significance (1 of 4 stars; one submission).

Submission:

Labcorp Genetics (formerly Invitae), Labcorp
Classification: Uncertain significance. Last evaluated: 2025-11-03. Review status: criteria provided, single submitter. Criteria: Invitae Variant Classification Sherloc (09022015). Collection method: clinical testing. Allele origin: germline.
Comment: This sequence change replaces proline, which is neutral and non-polar, with alanine, which is neutral and non-polar, at codon 316 of the PLTP protein (p.Pro316Ala). This variant is present in population databases (rs781758076, gnomAD 0.004%). This variant has not been reported in the literature in individuals affected with PLTP-related conditions. ClinVar contains an entry for this variant (Variation ID: 3616427). An algorithm developed to predict the effect of missense changes on protein structure and function (PolyPhen-2) suggests that this variant is likely to be disruptive. In summary, the available evidence is currently insufficient to determine the role of this variant in disease. Therefore, it has been classified as a Variant of Uncertain Significance.